The following is an entry in ClinVar:

NM_002900.3(RBP3):c.923C>T (p.Pro308Leu)

Gene: RBP3 (retinol binding protein 3; plus strand). Cytogenetic location: 10q11.22.
Variant type: single nucleotide variant.
Coding change: c.923C>T on transcript NM_002900.3 (MANE Select); coding-DNA position 923, C replaced by T.
Protein change: p.Pro308Leu; replaces proline 308 with leucine.
Molecular consequence: missense variant.
Genome position (GRCh38, 1-based): chr10:47,349,407, C>T. VCF-style: chr10-47349407-C-T. GRCh37 (hg19) VCF-style: chr10-48389955-G-A.
Other names: short protein forms P308L.
Identifiers: ClinVar variation 1466025 (VCV001466025.8), dbSNP rs782358403, ClinGen allele CA5487657.
Genomic context (GRCh38, chr10:47,349,407, plus strand): 5'-CCCTTGGTGGAGGCAGCCAGACGTGGGAGGGCAGCGGGGTGCTGCCCTGTGTGGGGACTC[C>T]GGCCGAGCAGGCCCTGGAGAAAGCCCTGGCCATCCTCACTCTGCGCAGCGCCCTTCCAGG-3'
Protein context (NP_002891.1, residues 298-318): GSGVLPCVGT[Pro308Leu]AEQALEKALA

ClinVar aggregate classification (germline): Uncertain significance (1 of 4 stars; one submission).

gnomAD v4.1: 11 of 1,611,696 alleles (0.00068%); highest among the groups gnomAD compares: East Asian, 0.0045%; no homozygotes.

Submission:

Labcorp Genetics (formerly Invitae), Labcorp
Classification: Uncertain significance. Last evaluated: 2022-09-27. Review status: criteria provided, single submitter. Criteria: Invitae Variant Classification Sherloc (09022015). Collection method: clinical testing. Allele origin: germline.
Comment: ClinVar contains an entry for this variant (Variation ID: 1466025). This variant has not been reported in the literature in individuals affected with RBP3-related conditions. This variant is present in population databases (rs782358403, gnomAD 0.005%). This sequence change replaces proline, which is neutral and non-polar, with leucine, which is neutral and non-polar, at codon 308 of the RBP3 protein (p.Pro308Leu). Algorithms developed to predict the effect of missense changes on protein structure and function are either unavailable or do not agree on the potential impact of this missense change (SIFT: "Deleterious"; PolyPhen-2: "Probably Damaging"; Align-GVGD: "Class C0"). In summary, the available evidence is currently insufficient to determine the role of this variant in disease. Therefore, it has been classified as a Variant of Uncertain Significance.